The following is an entry in ClinVar:

NM_001330260.2(SCN8A):c.331G>A (p.Ala111Thr)

Gene: SCN8A (sodium voltage-gated channel alpha subunit 8; plus strand). Cytogenetic location: 12q13.13.
Variant type: single nucleotide variant.
Coding change: c.331G>A on transcript NM_001330260.2 (MANE Select); coding-DNA position 331, G replaced by A.
Protein change: p.Ala111Thr; replaces alanine 111 with threonine.
Molecular consequence: missense variant.
Genome position (GRCh38, 1-based): chr12:51,684,228, G>A. VCF-style: chr12-51684228-G-A. GRCh37 (hg19) VCF-style: chr12-52078012-G-A.
Other names: p.A111T:GCC>ACC; c.331G>A (NM_014191.2); c.331G>A, p.Ala111Thr (NM_001177984.3, NM_001369788.1, NM_014191.4); short protein forms A111T.
Identifiers: ClinVar variation 207138 (VCV000207138.3), dbSNP rs796053231, ClinGen allele CA318313.

ClinVar aggregate classification (germline): Uncertain significance. Review status: criteria provided, multiple submitters, no conflicts (2 of 4 stars). 2 submissions from 2 submitters: Uncertain significance (2). Last evaluated 2025-08-29.

Conditions:
Inborn genetic diseases. Identifiers: MedGen C0950123, MeSH D030342.

Allele frequency attached by ClinVar (database versions not stated): gnomAD exomes below 0.00001.
gnomAD v4.1: 1 of 1,609,612 alleles (0.000062%); highest among the groups gnomAD compares: East Asian, 0.0022%; no homozygotes.

Submissions (2):

Ambry Genetics
Classification: Uncertain significance for Inborn genetic diseases. Last evaluated: 2025-08-29. Review status: criteria provided, single submitter. Criteria: Ambry Variant Classification Scheme 2023. Collection method: clinical testing. Allele origin: germline.

GeneDx
Classification: Uncertain significance. Last evaluated: 2014-06-09. Review status: criteria provided, single submitter. Criteria: GeneDx Variant Classification (06012015). Collection method: clinical testing. Allele origin: germline. Affected: yes.
Comment: p.Ala111Thr (GCC>ACC): c.331 G>A in exon 3 of the SCN8A gene (NM_014191.3). A variant of unknown significance has been identified in the SCN8A gene. The A111T variant has not been published as a mutation, nor has it been reported as a benign polymorphism to our knowledge. It was not observed in approximately 6,000 individuals of European and African American ancestry in the NHLBI Exome Sequencing Project, indicating it is not a common benign variant in these populations. The A111T variant is a non-conservative amino acid substitution, which is likely to impact secondary protein structure as these residues differ in polarity, charge, size and/or other properties. This substitution occurs at a position that is conserved across mammals. However, in silico analysis is inconsistent in its predictions as to whether or not the variant is damaging to the protein structure/function, and missense mutations in nearby residues have not been reported in association with SCN8A-related disorders. Therefore, based on the currently available information, it is unclear whether this variant is a pathogenic mutation or a rare benign variant.The variant is found in EPILEPSY panel(s).